The following is an entry in ClinVar:

ClinVar aggregate classification (germline): Uncertain significance (1 of 4 stars; one submission).

Conditions:
Cardiovascular phenotype. Identifiers: MedGen CN230736.

Submission:

Ambry Genetics
Classification: Uncertain significance for Cardiovascular phenotype. Last evaluated: 2022-07-01. Review status: criteria provided, single submitter. Criteria: Ambry Variant Classification Scheme 2023. Collection method: clinical testing. Allele origin: germline.
Comment: The p.E1820* variant (also known as c.5458G>T), located in coding exon 14 of the ALPK3 gene, results from a G to T substitution at nucleotide position 5458. This changes the amino acid from a glutamic acid to a stop codon within coding exon 14. This alteration occurs at the 3' terminus of theALPK3 gene, is not expected to trigger nonsense-mediated mRNAdecay, and only impacts the last 4.6% of the protein. The exact functional effect of this alteration is unknown. Since supporting evidence is limited at this time, the clinical significance of this alteration remains unclear.

NM_020778.5(ALPK3):c.4852G>T (p.Glu1618Ter)

Gene: ALPK3 (alpha kinase 3; plus strand). Cytogenetic location: 15q25.3.
Variant type: single nucleotide variant.
Coding change: c.4852G>T on transcript NM_020778.5 (MANE Select); coding-DNA position 4852, G replaced by T.
Protein change: p.Glu1618Ter; replaces glutamic acid 1618 with a stop codon.
Molecular consequence: nonsense.
Genome position (GRCh38, 1-based): chr15:84,868,190, G>T. VCF-style: chr15-84868190-G-T. GRCh37 (hg19) VCF-style: chr15-85411421-G-T.
Other names: short protein forms E1618*.
Identifiers: ClinVar variation 1747643 (VCV001747643.2), dbSNP rs2505733383, ClinGen allele CA393365696.